The following is an entry in ClinVar:

NM_005422.4(TECTA):c.625-9G>T

Genes: TBCEL-TECTA (TBCEL-TECTA readthrough; plus strand), TECTA (tectorin alpha; plus strand). Cytogenetic location: 11q23.3.
Variant type: single nucleotide variant.
Coding change: c.625-9G>T on transcript NM_005422.4 (MANE Select); 9 bases into the intron before coding-DNA position 625, G replaced by T.
Molecular consequence: intron variant.
Genome position (GRCh38, 1-based): chr11:121,113,544, G>T. VCF-style: chr11-121113544-G-T. GRCh37 (hg19) VCF-style: chr11-120984253-G-T.
Other names: c.1582-9G>T (NM_001378761.1).
Identifiers: ClinVar variation 4810830 (VCV004810830.2).

ClinVar aggregate classification (germline): Likely benign. Review status: criteria provided, multiple submitters, no conflicts (2 of 4 stars). 2 submissions from 2 submitters: Likely benign (2). Last evaluated 2026-05-18.

gnomAD v4.1: 12 of 1,613,898 alleles (0.00074%); highest among the groups gnomAD compares: African/African-American, 0.015%; no homozygotes.

Submissions (2):

Women's Health and Genetics/Laboratory Corporation of America, LabCorp
Classification: Likely benign. Last evaluated: 2026-05-18. Review status: criteria provided, single submitter. Criteria: LabCorp Variant Classification Summary - May 2015. Collection method: clinical testing. Allele origin: germline.
Comment: Variant summary: TECTA c.625-9G>T alters a conserved nucleotide located at a position not widely known to affect splicing. Consensus agreement among computation tools predict no significant impact on normal splicing. However, these predictions have yet to be confirmed by functional studies. The variant allele was found at a frequency of 4e-06 in 251298 control chromosomes. The available data on variant occurrences in the general population are insufficient to allow any conclusion about variant significance. To our knowledge, no occurrence of c.625-9G>T in individuals affected with TECTA-related conditions and no experimental evidence demonstrating its impact on protein function have been reported. ClinVar contains an entry for this variant (Variation ID: 4810830). Based on the evidence outlined above, the variant was classified as likely benign.

Labcorp Genetics (formerly Invitae), Labcorp
Classification: Likely benign. Last evaluated: 2025-05-03. Review status: criteria provided, single submitter. Criteria: Invitae Variant Classification Sherloc (09022015). Collection method: clinical testing. Allele origin: germline.